The following is an entry in ClinVar:

NM_001070.5(TUBG1):c.1297G>A (p.Asp433Asn)

Gene: TUBG1 (tubulin gamma 1; plus strand). Cytogenetic location: 17q21.2.
Variant type: single nucleotide variant.
Coding change: c.1297G>A on transcript NM_001070.5 (MANE Select); coding-DNA position 1297, G replaced by A.
Protein change: p.Asp433Asn; replaces aspartic acid 433 with asparagine.
Molecular consequence: missense variant.
Genome position (GRCh38, 1-based): chr17:42,614,982, G>A. VCF-style: chr17-42614982-G-A. GRCh37 (hg19) VCF-style: chr17-40767000-G-A.
Other names: short protein forms D433N.
Identifiers: ClinVar variation 4526161 (VCV004526161.1).

ClinVar aggregate classification (germline): Uncertain significance (1 of 4 stars; one submission).

gnomAD v4.1: 20 of 1,614,056 alleles (0.0012%); highest among the groups gnomAD compares: East Asian, 0.0022%; no homozygotes.

Submission:

Women's Health and Genetics/Laboratory Corporation of America, LabCorp
Classification: Uncertain significance. Last evaluated: 2025-07-28. Review status: criteria provided, single submitter. Criteria: LabCorp Variant Classification Summary - May 2015. Collection method: clinical testing. Allele origin: germline.
Comment: Variant summary: TUBG1 c.1297G>A (p.Asp433Asn) results in a conservative amino acid change in the encoded protein sequence. Algorithms developed to predict the effect of missense changes on protein structure and function are either unavailable or do not agree on the potential impact of this missense change. The variant allele was found at a frequency of 1.2e-05 in 251486 control chromosomes. The available data on variant occurrences in the general population are insufficient to allow any conclusion about variant significance. To our knowledge, no occurrence of c.1297G>A in individuals affected with Complex Cortical Dysplasia With Other Brain Malformations 4 and no experimental evidence demonstrating its impact on protein function have been reported. No submitters have cited clinical-significance assessments for this variant to ClinVar. Based on the evidence outlined above, the variant was classified as uncertain significance.